The following is an entry in ClinVar:

NM_001195553.2(DCX):c.596T>C (p.Leu199Pro)

Gene: DCX (doublecortin; minus strand). Cytogenetic location: Xq23.
Variant type: single nucleotide variant.
Coding change: c.596T>C on transcript NM_001195553.2 (MANE Select); coding-DNA position 596, T replaced by C.
Protein change: p.Leu199Pro; replaces leucine 199 with proline.
Molecular consequence: missense variant.
Genome position (GRCh38, 1-based): chrX:111,401,099, A>G on the plus strand (T>C on the coding strand, the complement: DCX is on the minus strand). VCF-style: chrX-111401099-A-G. GRCh37 (hg19) VCF-style: chrX-110644327-A-G.
Other names: c.839T>C, p.Leu280Pro (NM_000555.3); c.596T>C, p.Leu199Pro (NM_001369370.1, NM_001369371.1, NM_001369372.1 and 5 more transcripts); short protein forms L199P, L280P.
Identifiers: ClinVar variation 158487 (VCV000158487.7), dbSNP rs587783569, ClinGen allele CA172023.
Genomic context (GRCh38, chrX:111,401,099, plus strand): 5'-TTGATGGCTTCTGTGATATCAGTGAGGACTTGCTCAAAAGAGTGGGCTGTCTTCTTGTTC[A>G]GAAGCACACGCACAGCCTTCCGAGGCTTCACCCCACTGCGGATGATGGTAACCAGCTTGG-3'
Protein context (NP_001182482.1, residues 189-209): VKPRKAVRVL[Leu199Pro]NKKTAHSFEQ

ClinVar aggregate classification (germline): Likely pathogenic. Review status: criteria provided, multiple submitters, no conflicts (2 of 4 stars). 2 submissions from 2 submitters: Likely pathogenic (2). Last evaluated 2016-08-08.

Conditions:
Ectopic tissue. Also called: Heterotopia. Identifiers: MedGen C0008519.

Submissions (2):

GeneDx
Classification: Likely pathogenic. Last evaluated: 2016-08-08. Review status: criteria provided, single submitter. Criteria: GeneDx Variant Classification (06012015). Collection method: clinical testing. Allele origin: germline. Affected: yes.
Comment: The L199P variant has not been published as a pathogenic variant, nor has it been reported as a benign variant to our knowledge. It was not observed in approximately 6,500 individuals of European and African American ancestry in the NHLBI Exome Sequencing Project, indicating it is not a common benign variant in these populations. The L199P variant is a semi-conservative amino acid substitution, which may impact secondary protein structure as these residues differ in some properties. This substitution occurs at a position that is conserved across species and in silico analysis predicts this variant is probably damaging to the protein structure/function. Furthermore, multiple missense variants in nearby residues have been reported in the Human Gene Mutation Database in association with DCX-related disorder (Stenson et al., 2014), supporting the functional importance of this region of the protein. Therefore, this variant is likely pathogenic; however, the possibility that it is benign cannot be excluded.

Genetic Services Laboratory, University of Chicago
Classification: Likely pathogenic for Abnormality of neuronal migration. Last evaluated: 2013-02-08. Review status: criteria provided, single submitter. Criteria: ACMG Guidelines, 2007. Collection method: clinical testing. Allele origin: germline. Inheritance: Autosomal dominant inheritance. Affected: yes.